The following is an entry in ClinVar:

ClinVar aggregate classification (germline): Benign/Likely benign. Review status: criteria provided, multiple submitters, no conflicts (2 of 4 stars). 5 submissions from 5 submitters: Benign (1); Likely benign (4). Last evaluated 2024-12-18.

Conditions:
Hereditary nonpolyposis colorectal neoplasms. Identifiers: MedGen C0009405, MeSH D003123.
Hereditary cancer-predisposing syndrome. Also called: Neoplastic Syndromes, Hereditary; Tumor predisposition; Hereditary neoplastic syndrome; Hereditary Cancer Syndrome. Identifiers: Orphanet 140162, MedGen C0027672, MeSH D009386, MONDO:0015356.
Lynch syndrome 5 (LYNCH5). Also called: Colorectal cancer, hereditary nonpolyposis, type 5; Hereditary non-polyposis colorectal cancer, type 5. Identifiers: Orphanet 144, MedGen C1833477, MONDO:0013710, OMIM 614350. Disease mechanism: loss of function.

Allele frequency attached by ClinVar (database versions not stated): gnomAD exomes below 0.00001; TOPMed below 0.00001.

Submissions (5):

Myriad Genetics, Inc.
Classification: Benign for Lynch syndrome 5. Last evaluated: 2024-12-18. Review status: criteria provided, single submitter. Criteria: Myriad Autosomal Dominant, Autosomal Recessive and X-Linked Classification Criteria (2023). Collection method: clinical testing. Allele origin: unknown.
Comment: This variant is considered benign. This variant is a silent/synonymous amino acid change and it is not expected to impact splicing.

Labcorp Genetics (formerly Invitae), Labcorp
Classification: Likely benign for Hereditary nonpolyposis colorectal neoplasms. Last evaluated: 2023-12-07. Review status: criteria provided, single submitter. Criteria: Invitae Variant Classification Sherloc (09022015). Collection method: clinical testing. Allele origin: germline.

Ambry Genetics
Classification: Likely benign for Hereditary cancer-predisposing syndrome. Last evaluated: 2020-08-31. Review status: criteria provided, single submitter. Criteria: Ambry Variant Classification Scheme 2023. Collection method: clinical testing. Allele origin: germline.

Color Diagnostics, LLC DBA Color Health
Classification: Likely benign for Hereditary cancer-predisposing syndrome. Last evaluated: 2018-12-03. Review status: criteria provided, single submitter. Criteria: ACMG Guidelines, 2015. Collection method: clinical testing. Allele origin: germline.

GeneDx
Classification: Likely benign. Last evaluated: 2018-06-13. Review status: criteria provided, single submitter. Criteria: GeneDx Variant Classification (06012015). Collection method: clinical testing. Allele origin: germline. Affected: yes.
Comment: This variant is considered likely benign or benign based on one or more of the following criteria: it is a conservative change, it occurs at a poorly conserved position in the protein, it is predicted to be benign by multiple in silico algorithms, and/or has population frequency not consistent with disease.

NM_000179.3(MSH6):c.390T>C (p.His130=)

Gene: MSH6 (mutS homolog 6; plus strand). Cytogenetic location: 2p16.3.
Variant type: single nucleotide variant.
Coding change: c.390T>C on transcript NM_000179.3 (MANE Select); coding-DNA position 390, T replaced by C.
Protein change: p.His130=; no amino-acid change (histidine 130 retained).
Molecular consequence: synonymous variant. On other transcripts: 5 prime UTR variant (2), intron variant (1).
Genome position (GRCh38, 1-based): chr2:47,791,056, T>C. VCF-style: chr2-47791056-T-C. GRCh37 (hg19) VCF-style: chr2-48018195-T-C.
Other names: c.-347T>C (NM_001281493.2); c.-513T>C (NM_001281494.2); c.238-7555T>C (NM_001281492.2).
Identifiers: ClinVar variation 672302 (VCV000672302.14), dbSNP rs1168193801, ClinGen allele CA425989409.